The following is an entry in ClinVar:

ClinVar aggregate classification (germline): Uncertain significance. Review status: criteria provided, multiple submitters, no conflicts (2 of 4 stars). 2 submissions from 2 submitters: Uncertain significance (2). Last evaluated 2025-06-24.

gnomAD v4.1: 50 of 1,605,634 alleles (0.0031%); highest among the groups gnomAD compares: Admixed American, 0.048%; 1 homozygote.

Submissions (2):

Ambry Genetics
Classification: Uncertain significance. Last evaluated: 2025-06-24. Review status: criteria provided, single submitter. Criteria: Ambry Variant Classification Scheme 2023. Collection method: clinical testing. Allele origin: germline.

Labcorp Genetics (formerly Invitae), Labcorp
Classification: Uncertain significance. Last evaluated: 2024-10-29. Review status: criteria provided, single submitter. Criteria: Invitae Variant Classification Sherloc (09022015). Collection method: clinical testing. Allele origin: germline.
Comment: This sequence change replaces threonine, which is neutral and polar, with arginine, which is basic and polar, at codon 355 of the RPS6KC1 protein (p.Thr355Arg). This variant is present in population databases (rs534298090, gnomAD 0.05%). This variant has not been reported in the literature in individuals affected with RPS6KC1-related conditions. ClinVar contains an entry for this variant (Variation ID: 2059771). An algorithm developed to predict the effect of missense changes on protein structure and function (PolyPhen-2) suggests that this variant is likely to be disruptive. In summary, the available evidence is currently insufficient to determine the role of this variant in disease. Therefore, it has been classified as a Variant of Uncertain Significance.

NM_012424.6(RPS6KC1):c.1064C>G (p.Thr355Arg)

Gene: RPS6KC1 (ribosomal protein S6 kinase C1; plus strand). Cytogenetic location: 1q32.3.
Variant type: single nucleotide variant.
Coding change: c.1064C>G on transcript NM_012424.6 (MANE Select); coding-DNA position 1064, C replaced by G.
Protein change: p.Thr355Arg; replaces threonine 355 with arginine.
Molecular consequence: missense variant. On other transcripts: non-coding transcript variant (3), intron variant (11).
Genome position (GRCh38, 1-based): chr1:213,230,516, C>G. VCF-style: chr1-213230516-C-G. GRCh37 (hg19) VCF-style: chr1-213403859-C-G.
Other names: c.1028C>G, p.Thr343Arg (NM_001136138.4); c.428C>G, p.Thr143Arg (NM_001287218.3, NM_001287219.3, NM_001349654.2); c.521C>G, p.Thr174Arg (NM_001287221.3, NM_001349648.2, NM_001349649.2 and 4 more transcripts); c.971C>G, p.Thr324Arg (NM_001349646.2); c.701C>G, p.Thr234Arg (NM_001349647.2); c.173C>G, p.Thr58Arg (NM_001349657.2, NM_001349658.2); c.8C>G, p.Thr3Arg (NM_001349659.2, NM_001349660.2, NM_001349661.2 and 1 more transcripts); c.-170-10186C>G (NM_001349669.2, NM_001349666.2, NM_001349664.2 and 8 more transcripts); short protein forms T174R, T343R, T58R, T143R, T234R, T3R, T355R, T324R.
Identifiers: ClinVar variation 2059771 (VCV002059771.6), dbSNP rs534298090, ClinGen allele CA1387367.